The following is an entry in ClinVar:

ClinVar aggregate classification (germline): Uncertain significance (1 of 4 stars; one submission).

gnomAD v4.1: 1 of 1,610,352 alleles (0.000062%); highest among the groups gnomAD compares: Non-Finnish European, 0.000085%; no homozygotes.

Submission:

Labcorp Genetics (formerly Invitae), Labcorp
Classification: Uncertain significance. Last evaluated: 2021-12-02. Review status: criteria provided, single submitter. Criteria: Invitae Variant Classification Sherloc (09022015). Collection method: clinical testing. Allele origin: germline.
Comment: This sequence change affects codon 463 of the LAMB1 mRNA. It is a 'silent' change, meaning that it does not change the encoded amino acid sequence of the LAMB1 protein. This variant is not present in population databases (gnomAD no frequency). This variant has not been reported in the literature in individuals affected with LAMB1-related conditions. Algorithms developed to predict the effect of sequence changes on RNA splicing suggest that this variant may create or strengthen a splice site. In summary, the available evidence is currently insufficient to determine the role of this variant in disease. Therefore, it has been classified as a Variant of Uncertain Significance.

NM_002291.3(LAMB1):c.1389G>A (p.Leu463=)

Gene: LAMB1 (laminin subunit beta 1; minus strand). Cytogenetic location: 7q31.1.
Variant type: single nucleotide variant.
Coding change: c.1389G>A on transcript NM_002291.3 (MANE Select); coding-DNA position 1389, G replaced by A.
Protein change: p.Leu463=; no amino-acid change (leucine 463 retained).
Molecular consequence: synonymous variant.
Genome position (GRCh38, 1-based): chr7:107,975,079, C>T on the plus strand (G>A on the coding strand, the complement: LAMB1 is on the minus strand). VCF-style: chr7-107975079-C-T. GRCh37 (hg19) VCF-style: chr7-107615524-C-T.
Identifiers: ClinVar variation 1520517 (VCV001520517.1), dbSNP rs2150438481, ClinGen allele CA457206752.